The following is an entry in ClinVar:

ClinVar aggregate classification (germline): Conflicting classifications of pathogenicity. Review status: criteria provided, conflicting classifications (1 of 4 stars). 12 submissions from 12 submitters: Uncertain significance (9); Benign (2); Likely benign (1). Last evaluated 2026-03-17.

Conditions:
Polymicrogyria with or without vascular-type Ehlers-Danlos syndrome. Identifiers: Orphanet 636941, MedGen C5193040, MONDO:0032688, OMIM 618343.
Ehlers-Danlos syndrome, type 4 (EDSVASC). Also called: Ehlers-Danlos syndrome vascular type; Ehlers Danlos syndrome, ecchymotic type; Ehlers Danlos syndrome, arterial type; Ehlers Danlos syndrome, Sack-Barabas type; Ehlers-Danlos Syndrome Type IV. Identifiers: Orphanet 286, MedGen C0268338, MONDO:0017314, OMIM 130050.
Familial thoracic aortic aneurysm and aortic dissection (TAAD). Also called: Thoracic aortic aneurysms and dissections. Identifiers: Orphanet 91387, MedGen C4707243, MONDO:0019625.

Allele frequency attached by ClinVar (database versions not stated): ESP Exome Variant Server 0.00008; gnomAD 0.00009; gnomAD exomes 0.00011 and 0.00013; TOPMed 0.00012; ExAC 0.00014; 1000 Genomes Project 30x 0.00016.
gnomAD v4.1: 169 of 1,551,676 alleles (0.011%); highest among the groups gnomAD compares: Non-Finnish European, 0.013%; no homozygotes.

Submissions (12):

Women's Health and Genetics/Laboratory Corporation of America, LabCorp
Classification: Uncertain significance. Last evaluated: 2026-03-17. Review status: criteria provided, single submitter. Criteria: LabCorp Variant Classification Summary - May 2015. Collection method: clinical testing. Allele origin: germline.
Comment: Variant summary: COL3A1 c.2498A>G (p.Lys833Arg) results in a conservative amino acid change in the encoded protein sequence. Algorithms developed to predict the effect of missense changes on protein structure and function all suggest that this variant is likely to be tolerated. The variant allele was found at a frequency of 0.00013 in 156634 control chromosomes. The observed variant frequency exceeds the estimated maximal expected allele frequency for disease-causing variants in COL3A1. c.2498A>G has been observed in individuals affected with clinical features of COL3A1-related disease (internal data) and in at least one individual with non-syndromic thoracic aortic aneurysm and dissection (example: Yang_2023). These data indicate that the variant may be associated with disease. To our knowledge, no experimental evidence demonstrating an impact on protein function has been reported. The following publications has been ascertained in the context of this evaluation (PMID: 36517271). ClinVar contains an entry for this variant (Variation ID: 199701). Based on the evidence outlined above, the variant was classified as VUS-possibly benign.

Labcorp Genetics (formerly Invitae), Labcorp
Classification: Uncertain significance for Ehlers-Danlos syndrome, type 4. Last evaluated: 2026-01-27. Review status: criteria provided, single submitter. Criteria: Invitae Variant Classification Sherloc (09022015). Collection method: clinical testing. Allele origin: germline.
Comment: This sequence change replaces lysine, which is basic and polar, with arginine, which is basic and polar, at codon 833 of the COL3A1 protein (p.Lys833Arg). This variant is present in population databases (rs371344739, gnomAD 0.02%). This missense change has been observed in individual(s) with clinical features of COL3A1-related disease (internal data). It has also been observed to segregate with disease in related individuals. ClinVar contains an entry for this variant (Variation ID: 199701). Invitae Evidence Modeling of protein sequence and biophysical properties (such as structural, functional, and spatial information, amino acid conservation, physicochemical variation, residue mobility, and thermodynamic stability) indicates that this missense variant is not expected to disrupt COL3A1 protein function with a negative predictive value of 95%. In summary, the available evidence is currently insufficient to determine the role of this variant in disease. Therefore, it has been classified as a Variant of Uncertain Significance.

Color Diagnostics, LLC DBA Color Health
Classification: Likely benign for Familial thoracic aortic aneurysm and aortic dissection. Last evaluated: 2025-11-10. Review status: criteria provided, single submitter. Criteria: ACMG Guidelines, 2015. Collection method: clinical testing. Allele origin: germline.

GeneDx
Classification: Uncertain significance. Last evaluated: 2025-09-16. Review status: criteria provided, single submitter. Criteria: GeneDx Variant Classification Process June 2021. Collection method: clinical testing. Allele origin: germline. Affected: yes.
Comment: Has not been previously published as pathogenic or benign to our knowledge; In silico analysis suggests that this missense variant does not alter protein structure/function; Occurs in the triple helical domain at the Y position in the canonical Gly-X-Y repeat; although this variant may have an effect on normal protein folding and function, missense substitution at the Y position is not a common mechanism of disease (HGMD)

CeGaT Center for Human Genetics Tuebingen
Classification: Uncertain significance. Last evaluated: 2025-09-01. Review status: criteria provided, single submitter. Criteria: CeGaT Center For Human Genetics Tuebingen Variant Classification Criteria Version 2. Collection method: clinical testing. Allele origin: germline. Affected: yes. Observed: 1 variant allele.
Comment: COL3A1: PM2:Supporting

All of Us Research Program, National Institutes of Health
Classification: Uncertain significance for Ehlers-Danlos syndrome, type 4. Last evaluated: 2024-09-23. Review status: criteria provided, single submitter. Criteria: ACMG Guidelines, 2015. Collection method: clinical testing. Allele origin: germline. Inheritance: Autosomal dominant inheritance. Observed: 59 variant alleles, 59 heterozygotes.
Comment: This missense variant replaces lysine with arginine at codon 833 of the COL3A1 protein. Computational prediction suggests that this variant may not impact protein structure and function (internally defined REVEL score threshold <= 0.5, PMID: 27666373). To our knowledge, functional studies have not been reported for this variant. This variant has not been reported in individuals affected with cardiovascular disorders in the literature. This variant has been identified in 23/187998 chromosomes in the general population by the Genome Aggregation Database (gnomAD). The available evidence is insufficient to determine the role of this variant in disease conclusively. Therefore, this variant is classified as a Variant of Uncertain Significance.

This study involves interpretation of variants in research participants for the purpose of population health screening. Participant phenotype was not available at the time of variant classification. Additional details can be found in publication PMID: 35346344, PMCID: PMC8962531

Blueprint Genetics
Classification: Benign. Last evaluated: 2023-11-16. Review status: criteria provided, single submitter. Criteria: ACMG Guidelines, 2015. Collection method: clinical testing. Allele origin: germline.

Ambry Genetics
Classification: Benign for Familial thoracic aortic aneurysm and aortic dissection. Last evaluated: 2022-05-06. Review status: criteria provided, single submitter. Criteria: Ambry Variant Classification Scheme 2023. Collection method: clinical testing. Allele origin: germline.

Department of Pathology and Laboratory Medicine, Sinai Health System
Classification: Uncertain significance for Ehlers-Danlos syndrome, vascular type. Last evaluated: 2021-07-30. Review status: criteria provided, single submitter. Criteria: ACMG Guidelines, 2015. Collection method: research. Allele origin: germline.

Baylor Genetics
Classification: Uncertain significance for Ehlers-Danlos syndrome, type 4. Last evaluated: 2019-11-21. Review status: criteria provided, single submitter. Criteria: ACMG Guidelines, 2015. Collection method: clinical testing. Allele origin: unknown. Affected: yes.
Comment: This variant was determined to be of uncertain significance according to ACMG Guidelines, 2015 [PMID:25741868].

Fulgent Genetics
Classification: Uncertain significance for Ehlers-Danlos syndrome, type 4. Last evaluated: 2018-10-31. Review status: criteria provided, single submitter. Criteria: ACMG Guidelines, 2015. Collection method: clinical testing. Allele origin: unknown.

ARUP Laboratories, Molecular Genetics and Genomics, ARUP Laboratories
Classification: Uncertain significance. Last evaluated: 2016-10-14. Review status: criteria provided, single submitter. Criteria: ARUP Molecular Germline Variant Investigation Process. Collection method: clinical testing. Allele origin: germline.

Literature cited by the submitters: PubMed 36517271 (cited by Women's Health and Genetics/Laboratory Corporation of America, LabCorp).

NM_000090.4(COL3A1):c.2498A>G (p.Lys833Arg)

Gene: COL3A1 (collagen type III alpha 1 chain; plus strand). Cytogenetic location: 2q32.2.
Variant type: single nucleotide variant.
Coding change: c.2498A>G on transcript NM_000090.4 (MANE Select); coding-DNA position 2498, A replaced by G.
Protein change: p.Lys833Arg; replaces lysine 833 with arginine.
Molecular consequence: missense variant.
Genome position (GRCh38, 1-based): chr2:189,003,007, A>G. VCF-style: chr2-189003007-A-G. GRCh37 (hg19) VCF-style: chr2-189867733-A-G.
Other names: p.K833R:AAA>AGA; short protein forms K833R.
Identifiers: ClinVar variation 199701 (VCV000199701.49), dbSNP rs371344739, ClinGen allele CA005427.
Genomic context (GRCh38, chr2:189,003,007, plus strand): 5'-GCATGTAGGGACAGAATGGTGAACCTGGTGGTAAAGGAGAAAGAGGGGCTCCGGGTGAGA[A>G]AGGTGAAGGAGGCCCTCCTGGAGTTGCAGGACCCCCTGGAGGTTCTGGACCTGCTGTAAG-3'
Protein context (NP_000081.2, residues 823-843): GKGERGAPGE[Lys833Arg]GEGGPPGVAG